The following is an entry in ClinVar:

ClinVar aggregate classification (germline): Pathogenic. Review status: criteria provided, single submitter (1 of 4 stars). 3 submissions from 2 submitters: Pathogenic (1). 2 of the submissions do not count toward it. Last evaluated 2024-03-14.

Conditions:
Meckel syndrome 14 (MKS14). Identifiers: MedGen C5676989, MONDO:0030819, OMIM 619879.
Meckel-Gruber syndrome. Also called: DYSENCEPHALIA SPLANCHNOCYSTICA; GRUBER SYNDROME; Dysencephalia splachnocystica. Identifiers: Orphanet 564, MedGen C0265215, MONDO:0018921.

Submissions (3):

Genomic Medicine Center of Excellence, King Faisal Specialist Hospital and Research Centre
Classification: Pathogenic for Meckel syndrome 14. Last evaluated: 2024-03-14. Review status: criteria provided, single submitter. Criteria: ACMG Guidelines, 2015. Collection method: research. Allele origin: germline.

OMIM
Classification: Pathogenic for MECKEL SYNDROME 14. Last evaluated: 2022-05-13. Review status: no assertion criteria provided. Collection method: literature only. Allele origin: germline. Not counted in ClinVar's aggregate classification.

Genomic Medicine Center of Excellence, King Faisal Specialist Hospital and Research Centre
Classification: Likely pathogenic for Meckel syndrome. Review status: no assertion criteria provided. Collection method: research. Allele origin: germline. Affected: yes. Observed: 1 homozygote. Not counted in ClinVar's aggregate classification.
Comment: Loss of function, autozygosity mapping, gene independently mutated in three families with Meckel-Gruber syndrome, experimental evidence linking TXNDC15 to ciliogenesis

Literature cited by the submitters: PubMed 27894351 (cited by OMIM).

NM_024715.4(TXNDC15):c.103+1G>A

Gene: TXNDC15 (thioredoxin domain containing 15; plus strand). Cytogenetic location: 5q31.1.
Variant type: single nucleotide variant.
Coding change: c.103+1G>A on transcript NM_024715.4 (MANE Select); the canonical splice donor site of the intron after coding-DNA position 103, G replaced by A.
Molecular consequence: splice donor variant. On other transcripts: intron variant (1).
Genome position (GRCh38, 1-based): chr5:134,874,531, G>A. VCF-style: chr5-134874531-G-A. GRCh37 (hg19) VCF-style: chr5-134210221-G-A.
Other names: IVS1, G-A, +1; c.-102+48G>A (NM_001350735.2).
Identifiers: ClinVar variation 266075 (VCV000266075.4), dbSNP rs886039792, ClinGen allele CA10588961.